The following is an entry in ClinVar:

NM_003803.4(MYOM1):c.2673G>C (p.Leu891=)

Gene: MYOM1 (myomesin 1; minus strand). Cytogenetic location: 18p11.31.
Variant type: single nucleotide variant.
Coding change: c.2673G>C on transcript NM_003803.4 (MANE Select); coding-DNA position 2673, G replaced by C.
Protein change: p.Leu891=; no amino-acid change (leucine 891 retained).
Molecular consequence: synonymous variant. On other transcripts: intron variant (1).
Genome position (GRCh38, 1-based): chr18:3,129,353, C>G on the plus strand (G>C on the coding strand, the complement: MYOM1 is on the minus strand). VCF-style: chr18-3129353-C-G. GRCh37 (hg19) VCF-style: chr18-3129351-C-G.
Other names: c.2506+2022G>C (NM_019856.2).
Identifiers: ClinVar variation 226814 (VCV000226814.19), dbSNP rs115240600, ClinGen allele CA8874559.

ClinVar aggregate classification (germline): Benign. Review status: criteria provided, multiple submitters, no conflicts (2 of 4 stars). 4 submissions from 4 submitters: Benign (4). Last evaluated 2026-02-02.

Conditions:
Cardiovascular phenotype. Identifiers: MedGen CN230736.
Hypertrophic cardiomyopathy. Also called: HYPERTROPHIC MYOCARDIOPATHY. Identifiers: Orphanet 217569, MedGen C0007194, MeSH D002312, MONDO:0005045, HP:0001639.

Allele frequency attached by ClinVar (database versions not stated): gnomAD exomes 0.00317 and 0.00124; ExAC 0.00389; ESP Exome Variant Server 0.01324; gnomAD 0.01327 and 0.01425; 1000 Genomes Project 0.01358; TOPMed 0.01448; 1000 Genomes Project 30x 0.01483.
gnomAD v4.1: 3,922 of 1,613,892 alleles (0.24%); highest among the groups gnomAD compares: African/African-American, 4.5%; 73 homozygotes.

Submissions (4):

Labcorp Genetics (formerly Invitae), Labcorp
Classification: Benign for Hypertrophic cardiomyopathy. Last evaluated: 2026-02-02. Review status: criteria provided, single submitter. Criteria: Invitae Variant Classification Sherloc (09022015). Collection method: clinical testing. Allele origin: germline.

Laboratory for Molecular Medicine, Mass General Brigham Personalized Medicine
Classification: Benign. Last evaluated: 2014-11-24. Review status: criteria provided, single submitter. Criteria: LMM Criteria. Collection method: clinical testing. Allele origin: germline. Observed: 6 variant alleles.
Comment: Leu891Leu in exon 18 of MYOM1: This variant is not expected to have clinical sig nificance because it does not alter an amino acid residue and is not located wit hin the splice consensus sequence. It has been identified in 4.1% (157/3794) of African American chromosomes from a broad population by the NHLBI Exome Sequenci ng Project (dbSNP rs115240600).

Ambry Genetics
Classification: Benign for Cardiovascular phenotype. Last evaluated: 2013-01-24. Review status: criteria provided, single submitter. Criteria: Ambry Autosomal Dominant and X-Linked criteria (10/2015). Collection method: clinical testing. Allele origin: germline. Observed: 1 variant allele.
Comment: General population or subpopulation frequency is too high to be a pathogenic mutation based on disease/syndrome prevalence and penetrance

Breakthrough Genomics
Classification: Benign. Review status: criteria provided, single submitter. Criteria: ACMG Guidelines, 2015. Collection method: not provided. Allele origin: germline. Inheritance: Unknown mechanism. Affected: yes.